The following is an entry in ClinVar:

NM_000179.3(MSH6):c.1044C>G (p.Ser348=)

Gene: MSH6 (mutS homolog 6; plus strand). Cytogenetic location: 2p16.3.
Variant type: single nucleotide variant.
Coding change: c.1044C>G on transcript NM_000179.3 (MANE Select); coding-DNA position 1044, C replaced by G.
Protein change: p.Ser348=; no amino-acid change (serine 348 retained).
Molecular consequence: synonymous variant.
Genome position (GRCh38, 1-based): chr2:47,799,027, C>G. VCF-style: chr2-47799027-C-G. GRCh37 (hg19) VCF-style: chr2-48026166-C-G.
Other names: c.1044C>G (NM_000179.2); c.654C>G, p.Ser218= (NM_001281492.2); c.138C>G, p.Ser46= (NM_001281493.2, NM_001281494.2).
Identifiers: ClinVar variation 1669745 (VCV001669745.10), dbSNP rs587779202, ClinGen allele CA426120824.
Genomic context (GRCh38, chr2:47,799,027, plus strand): 5'-CATTTCATCAGAAACCAAGAATACTTTGAGAGCTTTCTCTGCCCCTCAAAATTCTGAATC[C>G]CAAGCCCACGTTAGTGGAGGTGGTGATGACAGTAGTCGCCCTACTGTTTGGTATCATGAA-3'
Protein context (NP_000170.1, residues 338-358): RAFSAPQNSE[Ser348=]QAHVSGGGDD

ClinVar aggregate classification (germline): Benign/Likely benign. Review status: criteria provided, multiple submitters, no conflicts (2 of 4 stars). 3 submissions from 3 submitters: Benign (1); Likely benign (2). Last evaluated 2025-08-12.

Conditions:
Hereditary nonpolyposis colorectal neoplasms. Identifiers: MedGen C0009405, MeSH D003123.
Hereditary cancer-predisposing syndrome. Also called: Hereditary neoplastic syndrome; Neoplastic Syndromes, Hereditary; Tumor predisposition; Hereditary Cancer Syndrome. Identifiers: Orphanet 140162, MedGen C0027672, MeSH D009386, MONDO:0015356.
Lynch syndrome 5 (LYNCH5). Also called: Colorectal cancer, hereditary nonpolyposis, type 5; Hereditary non-polyposis colorectal cancer, type 5. Identifiers: Orphanet 144, MedGen C1833477, MONDO:0013710, OMIM 614350. Disease mechanism: loss of function.

Submissions (3):

Ambry Genetics
Classification: Likely benign for Hereditary cancer-predisposing syndrome. Last evaluated: 2025-08-12. Review status: criteria provided, single submitter. Criteria: Ambry Variant Classification Scheme 2023. Collection method: clinical testing. Allele origin: germline.

Myriad Genetics, Inc.
Classification: Benign for Lynch syndrome 5. Last evaluated: 2024-12-20. Review status: criteria provided, single submitter. Criteria: Myriad Autosomal Dominant, Autosomal Recessive and X-Linked Classification Criteria (2023). Collection method: clinical testing. Allele origin: unknown.
Comment: This variant is considered benign. This variant is a silent/synonymous amino acid change and it is not expected to impact splicing.

Labcorp Genetics (formerly Invitae), Labcorp
Classification: Likely benign for Hereditary nonpolyposis colorectal neoplasms. Last evaluated: 2021-01-07. Review status: criteria provided, single submitter. Criteria: Invitae Variant Classification Sherloc (09022015). Collection method: clinical testing. Allele origin: germline.